The following is an entry in ClinVar:

ClinVar aggregate classification (germline): Uncertain significance. Review status: criteria provided, multiple submitters, no conflicts (2 of 4 stars). 2 submissions from 2 submitters: Uncertain significance (2). Last evaluated 2025-05-18.

Conditions:
Cardiovascular phenotype. Identifiers: MedGen CN230736.
Dilated cardiomyopathy 1Z (CMD1Z). Identifiers: Orphanet 154, MedGen C2678475, MONDO:0012745, OMIM 611879.
Hypertrophic cardiomyopathy 13. Also called: TNNC1-Related Familial Hypertrophic Cardiomyopathy. Identifiers: MedGen C2750472, MONDO:0013195, OMIM 613243.

Submissions (2):

Ambry Genetics
Classification: Uncertain significance for Cardiovascular phenotype. Last evaluated: 2025-05-18. Review status: criteria provided, single submitter. Criteria: Ambry Variant Classification Scheme 2023. Collection method: clinical testing. Allele origin: germline.
Comment: The p.L114R variant (also known as c.341T>G), located in coding exon 5 of the TNNC1 gene, results from a T to G substitution at nucleotide position 341. The leucine at codon 114 is replaced by arginine, an amino acid with dissimilar properties. This amino acid position is conserved. In addition, the in silico prediction for this alteration is inconclusive. Since supporting evidence is limited at this time, the clinical significance of this alteration remains unclear.

Labcorp Genetics (formerly Invitae), Labcorp
Classification: Uncertain significance for Hypertrophic cardiomyopathy 13; Dilated cardiomyopathy 1Z. Last evaluated: 2020-03-18. Review status: criteria provided, single submitter. Criteria: Invitae Variant Classification Sherloc (09022015). Collection method: clinical testing. Allele origin: germline.
Comment: Algorithms developed to predict the effect of missense changes on protein structure and function (SIFT, PolyPhen-2, Align-GVGD) all suggest that this variant is likely to be tolerated, but these predictions have not been confirmed by published functional studies and their clinical significance is uncertain. In summary, the available evidence is currently insufficient to determine the role of this variant in disease. Therefore, it has been classified as a Variant of Uncertain Significance. This variant has not been reported in the literature in individuals with TNNC1-related conditions. This variant is not present in population databases (ExAC no frequency). This sequence change replaces leucine with arginine at codon 114 of the TNNC1 protein (p.Leu114Arg). The leucine residue is moderately conserved and there is a moderate physicochemical difference between leucine and arginine.

NM_003280.3(TNNC1):c.341T>G (p.Leu114Arg)

Gene: TNNC1 (troponin C1, slow skeletal and cardiac type; minus strand). Cytogenetic location: 3p21.1.
Variant type: single nucleotide variant.
Coding change: c.341T>G on transcript NM_003280.3 (MANE Select); coding-DNA position 341, T replaced by G.
Protein change: p.Leu114Arg; replaces leucine 114 with arginine.
Molecular consequence: missense variant.
Genome position (GRCh38, 1-based): chr3:52,451,504, A>C on the plus strand (T>G on the coding strand, the complement: TNNC1 is on the minus strand). VCF-style: chr3-52451504-A-C. GRCh37 (hg19) VCF-style: chr3-52485520-A-C.
Other names: short protein forms L114R.
Identifiers: ClinVar variation 1063181 (VCV001063181.8), dbSNP rs2153229918, ClinGen allele CA353166014.